The following is an entry in ClinVar:

NM_001012339.3(DNAJC21):c.532C>T (p.Arg178Cys)

Gene: DNAJC21 (DnaJ heat shock protein family (Hsp40) member C21; plus strand). Cytogenetic location: 5p13.2.
Variant type: single nucleotide variant.
Coding change: c.532C>T on transcript NM_001012339.3 (MANE Select); coding-DNA position 532, C replaced by T.
Protein change: p.Arg178Cys; replaces arginine 178 with cysteine.
Molecular consequence: missense variant.
Genome position (GRCh38, 1-based): chr5:34,937,419, C>T. VCF-style: chr5-34937419-C-T. GRCh37 (hg19) VCF-style: chr5-34937524-C-T.
Other names: c.532C>T, p.Arg178Cys (NM_001348420.2, NM_194283.4); c.532C>T (NM_001012339.2); short protein forms R178C.
Identifiers: ClinVar variation 2094656 (VCV002094656.6), dbSNP rs781627600, ClinGen allele CA3228485.

ClinVar aggregate classification (germline): Uncertain significance. Review status: criteria provided, multiple submitters, no conflicts (2 of 4 stars). 3 submissions from 3 submitters: Uncertain significance (3). Last evaluated 2025-04-10.

Conditions:
DNAJC21-related disorder. Also called: DNAJC21-related condition.
Inborn genetic diseases. Identifiers: MedGen C0950123, MeSH D030342.

gnomAD v4.1: 19 of 1,614,042 alleles (0.0012%); highest among the groups gnomAD compares: South Asian, 0.0022%; no homozygotes.

Submissions (3):

Ambry Genetics
Classification: Uncertain significance for Inborn genetic diseases. Last evaluated: 2025-04-10. Review status: criteria provided, single submitter. Criteria: Ambry Variant Classification Scheme 2023. Collection method: clinical testing. Allele origin: germline.

Labcorp Genetics (formerly Invitae), Labcorp
Classification: Uncertain significance. Last evaluated: 2024-01-12. Review status: criteria provided, single submitter. Criteria: Invitae Variant Classification Sherloc (09022015). Collection method: clinical testing. Allele origin: germline.
Comment: This sequence change replaces arginine, which is basic and polar, with cysteine, which is neutral and slightly polar, at codon 178 of the DNAJC21 protein (p.Arg178Cys). This variant is present in population databases (rs781627600, gnomAD 0.003%). This variant has not been reported in the literature in individuals affected with DNAJC21-related conditions. ClinVar contains an entry for this variant (Variation ID: 2094656). An algorithm developed to predict the effect of missense changes on protein structure and function (PolyPhen-2) suggests that this variant is likely to be disruptive. In summary, the available evidence is currently insufficient to determine the role of this variant in disease. Therefore, it has been classified as a Variant of Uncertain Significance.

PreventionGenetics, part of Exact Sciences
Classification: Uncertain significance for DNAJC21-related condition. Last evaluated: 2023-09-29. Review status: criteria provided, single submitter. Criteria: ACMG Guidelines, 2015. Collection method: clinical testing. Allele origin: germline.
Comment: The DNAJC21 c.532C>T variant is predicted to result in the amino acid substitution p.Arg178Cys. To our knowledge, this variant has not been reported in the literature. This variant is reported in 0.0029% of alleles in individuals of Latino descent in gnomAD. At this time, the clinical significance of this variant is uncertain due to the absence of conclusive functional and genetic evidence.